The following is an entry in ClinVar:

ClinVar aggregate classification (germline): Uncertain significance. Review status: criteria provided, multiple submitters, no conflicts (2 of 4 stars). 2 submissions from 2 submitters: Uncertain significance (2). Last evaluated 2026-06-05.

Conditions:
TSEN54-related disorder. Also called: TSEN54-related condition.

Submissions (2):

PreventionGenetics, part of Exact Sciences
Classification: Uncertain significance for TSEN54-related condition. Last evaluated: 2026-06-05. Review status: criteria provided, single submitter. Criteria: ACMG Guidelines, 2015. Collection method: clinical testing. Allele origin: germline.
Comment: The TSEN54 c.613T>A variant is predicted to result in the amino acid substitution p.Ser205Thr. To our knowledge, this variant has not been reported in the literature or in a large population database (gnomAD), indicating this variant is rare. At this time, the clinical significance of this variant is uncertain due to the absence of conclusive functional and genetic evidence.

Labcorp Genetics (formerly Invitae), Labcorp
Classification: Uncertain significance. Last evaluated: 2022-03-09. Review status: criteria provided, single submitter. Criteria: Invitae Variant Classification Sherloc (09022015). Collection method: clinical testing. Allele origin: germline.
Comment: Algorithms developed to predict the effect of missense changes on protein structure and function output the following: SIFT: "Deleterious"; PolyPhen-2: "Benign"; Align-GVGD: "Class C0". The threonine amino acid residue is found in multiple mammalian species, which suggests that this missense change does not adversely affect protein function. In summary, the available evidence is currently insufficient to determine the role of this variant in disease. Therefore, it has been classified as a Variant of Uncertain Significance. This variant has not been reported in the literature in individuals affected with TSEN54-related conditions. This variant is not present in population databases (gnomAD no frequency). This sequence change replaces serine, which is neutral and polar, with threonine, which is neutral and polar, at codon 205 of the TSEN54 protein (p.Ser205Thr).

NM_207346.3(TSEN54):c.613T>A (p.Ser205Thr)

Gene: TSEN54 (tRNA splicing endonuclease subunit 54; plus strand). Cytogenetic location: 17q25.1.
Variant type: single nucleotide variant.
Coding change: c.613T>A on transcript NM_207346.3 (MANE Select); coding-DNA position 613, T replaced by A.
Protein change: p.Ser205Thr; replaces serine 205 with threonine.
Molecular consequence: missense variant.
Genome position (GRCh38, 1-based): chr17:75,521,500, T>A. VCF-style: chr17-75521500-T-A. GRCh37 (hg19) VCF-style: chr17-73517581-T-A.
Other names: c.613T>A (NM_207346.2); short protein forms S205T.
Identifiers: ClinVar variation 2107805 (VCV002107805.5), dbSNP rs377138108, ClinGen allele CA294078567.